The following is an entry in ClinVar:

NM_000152.5(GAA):c.2431C>G (p.Leu811Val)

Gene: GAA (alpha glucosidase; plus strand). Cytogenetic location: 17q25.3.
Variant type: single nucleotide variant.
Coding change: c.2431C>G on transcript NM_000152.5 (MANE Select); coding-DNA position 2431, C replaced by G.
Protein change: p.Leu811Val; replaces leucine 811 with valine.
Molecular consequence: missense variant.
Genome position (GRCh38, 1-based): chr17:80,117,699, C>G. VCF-style: chr17-80117699-C-G. GRCh37 (hg19) VCF-style: chr17-78091498-C-G.
Other names: c.2431C>G, p.Leu811Val (NM_001079804.3, NM_001406741.1, NM_001406742.1 and 1 more transcripts); short protein forms L811V.
Identifiers: ClinVar variation 1791174 (VCV001791174.6), dbSNP rs2039387666, ClinGen allele CA401325185.

ClinVar aggregate classification (germline): Uncertain significance. Review status: criteria provided, multiple submitters, no conflicts (2 of 4 stars). 2 submissions from 2 submitters: Uncertain significance (2). Last evaluated 2022-04-06.

Conditions:
Cardiovascular phenotype. Identifiers: MedGen CN230736.
Glycogen storage disease, type II (IOPD). Also called: CARDIOMEGALIA GLYCOGENICA DIFFUSA; GLYCOGENOSIS, GENERALIZED, CARDIAC FORM; GSD II; Glycogen storage disease type 2; Acid maltase deficiency disease; Aglucosidase alfa. Identifiers: Orphanet 365, MedGen C0017921, MONDO:0009290, OMIM 232300.

Allele frequency attached by ClinVar (database versions not stated): TOPMed below 0.00001.

Submissions (2):

Ambry Genetics
Classification: Uncertain significance for Cardiovascular phenotype. Last evaluated: 2022-04-06. Review status: criteria provided, single submitter. Criteria: Ambry Variant Classification Scheme 2023. Collection method: clinical testing. Allele origin: germline.
Comment: The p.L811V variant (also known as c.2431C>G), located in coding exon 16 of the GAA gene, results from a C to G substitution at nucleotide position 2431. The leucine at codon 811 is replaced by valine, an amino acid with highly similar properties. This amino acid position is conserved. In addition, this alteration is predicted to be deleterious by in silico analysis. Since supporting evidence is limited at this time, the clinical significance of this alteration remains unclear.

Labcorp Genetics (formerly Invitae), Labcorp
Classification: Uncertain significance for Glycogen storage disease, type II. Last evaluated: 2022-02-26. Review status: criteria provided, single submitter. Criteria: Invitae Variant Classification Sherloc (09022015). Collection method: clinical testing. Allele origin: germline.
Comment: Advanced modeling of protein sequence and biophysical properties (such as structural, functional, and spatial information, amino acid conservation, physicochemical variation, residue mobility, and thermodynamic stability) performed at Invitae indicates that this missense variant is expected to disrupt GAA protein function. In summary, the available evidence is currently insufficient to determine the role of this variant in disease. Therefore, it has been classified as a Variant of Uncertain Significance. This sequence change replaces leucine, which is neutral and non-polar, with valine, which is neutral and non-polar, at codon 811 of the GAA protein (p.Leu811Val). This variant is not present in population databases (gnomAD no frequency). This variant has not been reported in the literature in individuals affected with GAA-related conditions.